The following is an entry in ClinVar:

NM_001673.5(ASNS):c.620G>T (p.Cys207Phe)

Genes: ASNS (asparagine synthetase (glutamine-hydrolyzing); minus strand), CZ1P-ASNS (CZ1P-ASNS readthrough; minus strand). Cytogenetic location: 7q21.3.
Variant type: single nucleotide variant.
Coding change: c.620G>T on transcript NM_001673.5 (MANE Select); coding-DNA position 620, G replaced by T.
Protein change: p.Cys207Phe; replaces cysteine 207 with phenylalanine.
Molecular consequence: missense variant. On other transcripts: non-coding transcript variant (1).
Genome position (GRCh38, 1-based): chr7:97,859,266, C>A on the plus strand (G>T on the coding strand, the complement: ASNS is on the minus strand). VCF-style: chr7-97859266-C-A. GRCh37 (hg19) VCF-style: chr7-97488578-C-A.
Other names: c.557G>T, p.Cys186Phe (NM_001178075.2); c.371G>T, p.Cys124Phe (NM_001178076.2, NM_001178077.1); c.620G>T, p.Cys207Phe (NM_001352496.2, NM_133436.3, NM_183356.4); short protein forms C124F, C186F, C207F.
Identifiers: ClinVar variation 2415945 (VCV002415945.6), dbSNP rs772174678, ClinGen allele CA368269650.

ClinVar aggregate classification (germline): Uncertain significance. Review status: criteria provided, multiple submitters, no conflicts (2 of 4 stars). 2 submissions from 2 submitters: Uncertain significance (2). Last evaluated 2023-05-26.

Conditions:
Inborn genetic diseases. Identifiers: MedGen C0950123, MeSH D030342.

Allele frequency attached by ClinVar (database versions not stated): TOPMed 0.00003.
gnomAD v4.1: 40 of 1,613,976 alleles (0.0025%); highest among the groups gnomAD compares: Non-Finnish European, 0.0034%; no homozygotes.

Submissions (2):

Ambry Genetics
Classification: Uncertain significance for Inborn genetic diseases. Last evaluated: 2023-05-26. Review status: criteria provided, single submitter. Criteria: Ambry Variant Classification Scheme 2023. Collection method: clinical testing. Allele origin: germline.

Labcorp Genetics (formerly Invitae), Labcorp
Classification: Uncertain significance. Last evaluated: 2022-06-01. Review status: criteria provided, single submitter. Criteria: Invitae Variant Classification Sherloc (09022015). Collection method: clinical testing. Allele origin: germline.
Comment: This sequence change replaces cysteine, which is neutral and slightly polar, with phenylalanine, which is neutral and non-polar, at codon 207 of the ASNS protein (p.Cys207Phe). This variant is present in population databases (no rsID available, gnomAD 0.004%). This variant has not been reported in the literature in individuals affected with ASNS-related conditions. Advanced modeling of protein sequence and biophysical properties (such as structural, functional, and spatial information, amino acid conservation, physicochemical variation, residue mobility, and thermodynamic stability) performed at Invitae indicates that this missense variant is not expected to disrupt ASNS protein function. In summary, the available evidence is currently insufficient to determine the role of this variant in disease. Therefore, it has been classified as a Variant of Uncertain Significance.